The following is an entry in ClinVar:

ClinVar aggregate classification (germline): Uncertain significance (1 of 4 stars; one submission).

Conditions:
PEX1-related disorder. Also called: PEX1-related condition.

gnomAD v4.1: 1 of 1,613,880 alleles (0.000062%); highest among the groups gnomAD compares: Non-Finnish European, 0.000085%; no homozygotes.

Submission:

PreventionGenetics, part of Exact Sciences
Classification: Uncertain significance for PEX1-related condition. Last evaluated: 2025-06-11. Review status: criteria provided, single submitter. Criteria: ACMG Guidelines, 2015. Collection method: clinical testing. Allele origin: germline.
Comment: The PEX1 c.3338T>C variant is predicted to result in the amino acid substitution p.Met1113Thr. To our knowledge, this variant has not been reported in the literature. This variant is reported in 0.00088% of alleles in individuals of European (Non-Finnish) descent in gnomAD. At this time, the clinical significance of this variant is uncertain due to the absence of conclusive functional and genetic evidence.

NM_000466.3(PEX1):c.3338T>C (p.Met1113Thr)

Genes: GATAD1 (GATA zinc finger domain containing 1; plus strand), PEX1 (peroxisomal biogenesis factor 1; minus strand). Cytogenetic location: 7q21.2.
Variant type: single nucleotide variant.
Coding change: c.3338T>C on transcript NM_000466.3 (MANE Select); coding-DNA position 3338, T replaced by C.
Protein change: p.Met1113Thr; replaces methionine 1113 with threonine.
Molecular consequence: missense variant.
Genome position (GRCh38, 1-based): chr7:92,491,372, A>G on the plus strand (T>C on the coding strand, the complement: PEX1 is on the minus strand). VCF-style: chr7-92491372-A-G. GRCh37 (hg19) VCF-style: chr7-92120686-A-G.
Other names: c.3167T>C, p.Met1056Thr (NM_001282677.2); c.2714T>C, p.Met905Thr (NM_001282678.2); short protein forms M1113T, M905T, M1056T.
Identifiers: ClinVar variation 4984657 (VCV004984657.1).